The following is an entry in ClinVar:

NM_001273.5(CHD4):c.4564G>C (p.Ala1522Pro)

Genes: CHD4 (chromodomain helicase DNA binding protein 4; minus strand), CHD4-AS1 (CHD4 antisense RNA 1; plus strand). Cytogenetic location: 12p13.31.
Variant type: single nucleotide variant.
Coding change: c.4564G>C on transcript NM_001273.5 (MANE Select); coding-DNA position 4564, G replaced by C.
Protein change: p.Ala1522Pro; replaces alanine 1522 with proline.
Molecular consequence: missense variant.
Genome position (GRCh38, 1-based): chr12:6,581,766, C>G on the plus strand (G>C on the coding strand, the complement: CHD4 is on the minus strand). VCF-style: chr12-6581766-C-G. GRCh37 (hg19) VCF-style: chr12-6690932-C-G.
Other names: c.4543G>C, p.Ala1515Pro (NM_001297553.2); c.4525G>C, p.Ala1509Pro (NM_001363606.2); short protein forms A1515P, A1522P, A1509P.
Identifiers: ClinVar variation 1378497 (VCV001378497.10), dbSNP rs776080022, ClinGen allele CA383571645.
Genomic context (GRCh38, chr12:6,581,766, plus strand): 5'-TAGGAGTTTTTGGGGAGGGTGACCCTGGCTGGGACATCTTCTTGTTTTCCTCCACCTCAG[C>G]CAGTTCAGGCATGCTCCAGCGCCCATTAACATGTTCAAACTCCTGAACCTGTAGCAATGG-3'
Protein context (NP_001264.2, residues 1512-1532): VNGRWSMPEL[Ala1522Pro]EVEENKKMSQ

ClinVar aggregate classification (germline): Uncertain significance. Review status: criteria provided, multiple submitters, no conflicts (2 of 4 stars). 3 submissions from 3 submitters: Uncertain significance (3). Last evaluated 2023-12-21.

Submissions (3):

GeneDx
Classification: Uncertain significance. Last evaluated: 2023-12-21. Review status: criteria provided, single submitter. Criteria: GeneDx Variant Classification Process June 2021. Collection method: clinical testing. Allele origin: germline. Affected: yes.
Comment: Not observed at significant frequency in large population cohorts (gnomAD); In silico analysis supports that this missense variant does not alter protein structure/function; Has not been previously published as pathogenic or benign to our knowledge

Blueprint Genetics
Classification: Uncertain significance. Last evaluated: 2021-06-30. Review status: criteria provided, single submitter. Criteria: ACMG Guidelines, 2015. Collection method: clinical testing. Allele origin: germline.

Labcorp Genetics (formerly Invitae), Labcorp
Classification: Uncertain significance. Last evaluated: 2021-04-17. Review status: criteria provided, single submitter. Criteria: Invitae Variant Classification Sherloc (09022015). Collection method: clinical testing. Allele origin: germline.
Comment: Algorithms developed to predict the effect of missense changes on protein structure and function are either unavailable or do not agree on the potential impact of this missense change (SIFT: "Deleterious"; PolyPhen-2: "Probably Damaging"; Align-GVGD: "Class C0"). In summary, the available evidence is currently insufficient to determine the role of this variant in disease. Therefore, it has been classified as a Variant of Uncertain Significance. This variant has not been reported in the literature in individuals with CHD4-related conditions. This variant is not present in population databases (ExAC no frequency). This sequence change replaces alanine with proline at codon 1522 of the CHD4 protein (p.Ala1522Pro). The alanine residue is highly conserved and there is a small physicochemical difference between alanine and proline.